The following is an entry in ClinVar:

ClinVar aggregate classification (germline): Uncertain significance (1 of 4 stars; one submission).

Allele frequency attached by ClinVar (database versions not stated): gnomAD exomes below 0.00001.
gnomAD v4.1: 1 of 1,613,838 alleles (0.000062%); highest among the groups gnomAD compares: Non-Finnish European, 0.000085%; no homozygotes.

Submission:

Labcorp Genetics (formerly Invitae), Labcorp
Classification: Uncertain significance. Last evaluated: 2023-10-03. Review status: criteria provided, single submitter. Criteria: Invitae Variant Classification Sherloc (09022015). Collection method: clinical testing. Allele origin: germline.
Comment: This sequence change replaces cysteine, which is neutral and slightly polar, with phenylalanine, which is neutral and non-polar, at codon 282 of the FZD4 protein (p.Cys282Phe). This variant is not present in population databases (gnomAD no frequency). This variant has not been reported in the literature in individuals affected with FZD4-related conditions. ClinVar contains an entry for this variant (Variation ID: 1473371). Advanced modeling of protein sequence and biophysical properties (such as structural, functional, and spatial information, amino acid conservation, physicochemical variation, residue mobility, and thermodynamic stability) performed at Invitae indicates that this missense variant is expected to disrupt FZD4 protein function. In summary, the available evidence is currently insufficient to determine the role of this variant in disease. Therefore, it has been classified as a Variant of Uncertain Significance.

NM_012193.4(FZD4):c.845G>T (p.Cys282Phe)

Genes: FZD4 (frizzled class receptor 4; minus strand), PRSS23 (serine protease 23; plus strand). Cytogenetic location: 11q14.2.
Variant type: single nucleotide variant.
Coding change: c.845G>T on transcript NM_012193.4 (MANE Select); coding-DNA position 845, G replaced by T.
Protein change: p.Cys282Phe; replaces cysteine 282 with phenylalanine.
Molecular consequence: missense variant. On other transcripts: non-coding transcript variant (2).
Genome position (GRCh38, 1-based): chr11:86,951,911, C>A on the plus strand (G>T on the coding strand, the complement: FZD4 is on the minus strand). VCF-style: chr11-86951911-C-A. GRCh37 (hg19) VCF-style: chr11-86662953-C-A.
Other names: short protein forms C282F.
Identifiers: ClinVar variation 1473371 (VCV001473371.8), dbSNP rs2135040993, ClinGen allele CA382014056.